The following is an entry in ClinVar:

NM_000275.3(OCA2):c.2207C>T (p.Ser736Leu)

Gene: OCA2 (OCA2 melanosomal transmembrane protein; minus strand). Cytogenetic location: 15q13.1.
Variant type: single nucleotide variant.
Coding change: c.2207C>T on transcript NM_000275.3 (MANE Select); coding-DNA position 2207, C replaced by T.
Protein change: p.Ser736Leu; replaces serine 736 with leucine.
Molecular consequence: missense variant.
Genome position (GRCh38, 1-based): chr15:27,871,191, G>A on the plus strand (C>T on the coding strand, the complement: OCA2 is on the minus strand). VCF-style: chr15-27871191-G-A. GRCh37 (hg19) VCF-style: chr15-28116337-G-A.
Other names: c.2135C>T, p.Ser712Leu (NM_001300984.2); short protein forms S736L, S712L.
Identifiers: ClinVar variation 195557 (VCV000195557.30), dbSNP rs780296175, ClinGen allele CA242025.

ClinVar aggregate classification (germline): Conflicting classifications of pathogenicity. Review status: criteria provided, conflicting classifications (1 of 4 stars). 10 submissions from 10 submitters: Pathogenic (3); Likely pathogenic (5); Uncertain significance (2). Last evaluated 2026-08-17.

Conditions:
OCA2-related disorder. Also called: OCA2-related condition.
Tyrosinase-positive oculocutaneous albinism (OCA2). Also called: Oculocutaneous albinism type 2; ALBINISM II; Albinism, oculocutaneous, type II. Identifiers: Orphanet 79432, MedGen C0268495, MONDO:0008746, OMIM 203200.
SKIN/HAIR/EYE PIGMENTATION 1, BLUE/NONBLUE EYES (SHEP1). Also called: HAIR COLOR 3; SKIN/HAIR/EYE PIGMENTATION 1, BLOND/BROWN HAIR; BROWN EYE COLOR 2; EYE COLOR 3; EYE COLOR, BLUE/NONBLUE; EYE COLOR, BROWN/BLUE. Identifiers: MedGen C1856895, OMIM 227220.

Allele frequency attached by ClinVar (database versions not stated): ExAC 0.00001; gnomAD 0.00002 and 0.00003; gnomAD exomes 0.00002 and 0.00004; TOPMed 0.00005.
gnomAD v4.1: 55 of 1,613,986 alleles (0.0034%); highest among the groups gnomAD compares: African/African-American, 0.008%; no homozygotes.

Submissions (10):

PreventionGenetics, part of Exact Sciences
Classification: Pathogenic for OCA2-related condition. Last evaluated: 2026-08-17. Review status: criteria provided, single submitter. Criteria: ACMG Guidelines, 2015. Collection method: clinical testing. Allele origin: germline.
Comment: The OCA2 c.2207C>T variant is predicted to result in the amino acid substitution p.Ser736Leu. This variant has been reported in individuals with oculocutaneous albinism (Spritz et al. 1997. PubMedID: 9259203; Garrison et al. 2004. PubMedID: 15173252; Marti et al. 2018. PubMed ID: 28976636). At PreventionGenetics, we have observed this variant in the homozygous and compound heterozygous states in patients with OCA and hypopigmentation disorders (internal data). This variant is present in 0.0044% of alleles in individuals of European (Non-Finnish) descent in gnomAD. Given the evidence, we interpret this variant as pathogenic.

Labcorp Genetics (formerly Invitae), Labcorp
Classification: Pathogenic. Last evaluated: 2026-01-04. Review status: criteria provided, single submitter. Criteria: Invitae Variant Classification Sherloc (09022015). Collection method: clinical testing. Allele origin: germline.
Comment: This sequence change replaces serine, which is neutral and polar, with leucine, which is neutral and non-polar, at codon 736 of the OCA2 protein (p.Ser736Leu). This variant is present in population databases (rs780296175, gnomAD 0.004%). This missense change has been observed in individuals with clinical features of oculocutaneous albinism (PMID: 18463683, 28976636, 29345414; internal data). ClinVar contains an entry for this variant (Variation ID: 195557). Invitae Evidence Modeling of protein sequence and biophysical properties (such as structural, functional, and spatial information, amino acid conservation, physicochemical variation, residue mobility, and thermodynamic stability) indicates that this missense variant is expected to disrupt OCA2 protein function with a positive predictive value of 80%. For these reasons, this variant has been classified as Pathogenic.

GeneDx
Classification: Likely pathogenic. Last evaluated: 2025-06-15. Review status: criteria provided, single submitter. Criteria: GeneDx Variant Classification Process June 2021. Collection method: clinical testing. Allele origin: germline. Affected: yes.
Comment: Observed with a variant of uncertain significance or as a single heterozygous variant in additional patients in published literature (PMID: 9259203, 15173252, 29345414, 28976636); In silico analysis supports that this missense variant has a deleterious effect on protein structure/function; This variant is associated with the following publications: (PMID: 28976636, 18463683, 9259203, 15173252, 29345414, 24845642, 31501239, 37734845, 39636647)

Blueprint Genetics
Classification: Pathogenic for OCA2-related disorders. Last evaluated: 2024-11-19. Review status: criteria provided, single submitter. Criteria: ACMG Guidelines, 2015. Collection method: clinical testing. Allele origin: germline. Affected: yes. Observed: 5 variant alleles.

Fulgent Genetics
Classification: Likely pathogenic for Tyrosinase-positive oculocutaneous albinism; SKIN/HAIR/EYE PIGMENTATION 1, BLUE/NONBLUE EYES. Last evaluated: 2024-01-17. Review status: criteria provided, single submitter. Criteria: ACMG Guidelines, 2015. Collection method: clinical testing. Allele origin: germline.

Baylor Genetics
Classification: Likely pathogenic for SKIN/HAIR/EYE PIGMENTATION 1, BLUE/NONBLUE EYES. Last evaluated: 2023-12-07. Review status: criteria provided, single submitter. Criteria: ACMG Guidelines, 2015. Collection method: clinical testing. Allele origin: unknown.

Victorian Clinical Genetics Services, Murdoch Childrens Research Institute
Classification: Likely pathogenic for Tyrosinase-positive oculocutaneous albinism. Last evaluated: 2022-03-31. Review status: criteria provided, single submitter. Criteria: ACMG Guidelines, 2015. Collection method: clinical testing. Allele origin: germline. Inheritance: Autosomal recessive inheritance.
Comment: Based on the classification scheme VCGS_Germline_v1.3.4, this variant is classified as likely pathogenic. The following criteria are met: 0102 - Loss of function is a known mechanism of disease in this gene and is associated with brown oculocutaneous albinism (MIM#203200) and oculocutaneous albinism type II (MIM#203200). (I) 0106 - This gene is associated with autosomal recessive disease. (I) 0115 - Variants in this gene are known to have variable expressivity (PMID: 24518832; OMIM). (I) 0200 - Variant is predicted to result in a missense amino acid change from serine to leucine. (I) 0251 - This variant is heterozygous. (I) 0304 - Variant is present in gnomAD (V2) <0.01 for a recessive condition (6 heterozygotes, 0 homozygotes). (SP) 0501 - Missense variant consistently predicted to be damaging by multiple in silico tools and very highly conserved with a major amino acid change. (SP) 0600 - Variant is located in the annotated citrate transporter domain (DECIPHER). (I) 0801 - This variant has strong previous evidence of pathogenicity in unrelated individuals. This variant has been reported in at least 5 individuals with oculocutaneous albinism (ClinVar, PMID: 28976636, 18463683, 9259203, 24845642, 15173252). It has also been reported as VUS in ClinVar. (SP) 0905 - No published segregation evidence has been identified for this variant. (I) 1007 - No published functional evidence has been identified for this variant. (I) 0705 - No comparable missense variants have previous evidence for pathogenicity. (I) Legend: (SP) - Supporting pathogenic, (I) - Information, (SB) - Supporting benign

Genome-Nilou Lab
Classification: Uncertain significance for Tyrosinase-positive oculocutaneous albinism. Last evaluated: 2021-11-07. Review status: criteria provided, single submitter. Criteria: ACMG Guidelines, 2015. Collection method: clinical testing. Allele origin: germline. Affected: no.

Genetic Services Laboratory, University of Chicago
Classification: Likely pathogenic for Albinism, oculocutaneous, type II. Last evaluated: 2015-06-16. Review status: criteria provided, single submitter. Criteria: ACMG Guidelines, 2015. Collection method: clinical testing. Allele origin: germline. Affected: yes.

Eurofins Ntd Llc (ga)
Classification: Uncertain significance. Last evaluated: 2014-10-28. Review status: criteria provided, single submitter. Criteria: EGL Classification Definitions 2015. Collection method: clinical testing. Allele origin: germline. Observed: 2 variant alleles, 1 heterozygote, 1 homozygote.

Literature cited by the submitters: PubMed 18463683 (cited by Labcorp Genetics (formerly Invitae), Labcorp and Victorian Clinical Genetics Services, Murdoch Childrens Research Institute); PubMed 28976636 (cited by Labcorp Genetics (formerly Invitae), Labcorp and Victorian Clinical Genetics Services, Murdoch Childrens Research Institute); PubMed 29345414 (cited by Labcorp Genetics (formerly Invitae), Labcorp); PubMed 9259203 (cited by Victorian Clinical Genetics Services, Murdoch Childrens Research Institute); PubMed 15173252 (cited by Victorian Clinical Genetics Services, Murdoch Childrens Research Institute); PubMed 24518832 (cited by Victorian Clinical Genetics Services, Murdoch Childrens Research Institute); PubMed 24845642 (cited by Victorian Clinical Genetics Services, Murdoch Childrens Research Institute).